The following is an entry in ClinVar:

NM_000059.4(BRCA2):c.426-7_426-4del

Gene: BRCA2 (BRCA2 DNA repair associated; plus strand). Cytogenetic location: 13q13.1.
Variant type: Deletion.
Coding change: c.426-7_426-4del on transcript NM_000059.4 (MANE Select); 7 bases into the intron before coding-DNA position 426 through 4 bases into the intron before coding-DNA position 426, 4 bases deleted (ATTT; older notation c.426-7_426-4delATTT).
Molecular consequence: intron variant.
Genome position (GRCh38, 1-based): chr13:32,326,094-32,326,097, ATTT deleted; deleting any 4 consecutive bases within chr13:32,326,091-32,326,097 gives the same sequence; the c. name uses the placement nearest the transcript's 3' end. VCF-style (leftmost placement, unchanged base first): chr13-32326090-TTTTA-T. GRCh37 (hg19) VCF-style: chr13-32900227-TTTTA-T.
Other names: c.426-7_426-4delATTT (NM_000059.3).
Identifiers: ClinVar variation 628464 (VCV000628464.8), dbSNP rs1566218725, ClinGen allele CA913188548.

ClinVar aggregate classification (germline): Uncertain significance. Review status: criteria provided, multiple submitters, no conflicts (2 of 4 stars). 3 submissions from 3 submitters: Uncertain significance (3). Last evaluated 2026-03-05.

Conditions:
Hereditary breast ovarian cancer syndrome. Also called: Hereditary breast and/or ovarian cancer syndrome; Breast and ovarian cancer; Hereditary breast and ovarian cancer; Hereditary breast and ovarian cancer syndrome (HBOC); Hereditary breast and ovarian cancer syndrome; BRCA1- and BRCA2-Associated Hereditary Breast and Ovarian Cancer. Identifiers: Orphanet 145, MedGen C0677776, MeSH D061325, MONDO:0003582. Disease mechanism: loss of function.
Hereditary cancer-predisposing syndrome. Also called: Neoplastic Syndromes, Hereditary; Hereditary neoplastic syndrome; Tumor predisposition; Hereditary Cancer Syndrome. Identifiers: Orphanet 140162, MedGen C0027672, MeSH D009386, MONDO:0015356.

Submissions (3):

Ambry Genetics
Classification: Uncertain significance for Hereditary cancer-predisposing syndrome. Last evaluated: 2026-03-05. Review status: criteria provided, single submitter. Criteria: Ambry Variant Classification Scheme 2023. Collection method: clinical testing. Allele origin: germline.
Comment: The c.426-7_426-4delATTT intronic variant, located in intron 3 of the BRCA2 gene, results from a deletion of 4 nucleotides within intron 3 of the BRCA2 gene. This nucleotide region is poorly conserved in available vertebrate species. In silico splice site analysis for this alteration is inconclusive. Based on the available evidence, the clinical significance of this variant remains unclear.

Labcorp Genetics (formerly Invitae), Labcorp
Classification: Uncertain significance for Hereditary breast ovarian cancer syndrome. Last evaluated: 2024-06-12. Review status: criteria provided, single submitter. Criteria: Invitae Variant Classification Sherloc (09022015). Collection method: clinical testing. Allele origin: germline.
Comment: This sequence change falls in intron 4 of the BRCA2 gene. It does not directly change the encoded amino acid sequence of the BRCA2 protein. This variant is not present in population databases (gnomAD no frequency). This variant has not been reported in the literature in individuals affected with BRCA2-related conditions. ClinVar contains an entry for this variant (Variation ID: 628464). Algorithms developed to predict the effect of sequence changes on RNA splicing suggest that this variant may disrupt the consensus splice site. In summary, the available evidence is currently insufficient to determine the role of this variant in disease. Therefore, it has been classified as a Variant of Uncertain Significance.

Color Diagnostics, LLC DBA Color Health
Classification: Uncertain significance for Hereditary cancer-predisposing syndrome. Last evaluated: 2019-05-30. Review status: criteria provided, single submitter. Criteria: ACMG Guidelines, 2015. Collection method: clinical testing. Allele origin: germline.